The following is an entry in ClinVar:

ClinVar aggregate classification (germline): Conflicting classifications of pathogenicity. Review status: criteria provided, conflicting classifications (1 of 4 stars). 5 submissions from 4 submitters: Pathogenic (1); Uncertain significance (4). Last evaluated 2023-11-04.

Conditions:
Retinitis pigmentosa 39 (RP39). Identifiers: Orphanet 791, MedGen C3151138, MONDO:0013436, OMIM 613809.
USH2A-related disorder. Also called: USH2A-related condition; USH2A-related disorders. Identifiers: MedGen CN239332.
Usher syndrome type 2A. Also called: RETINAL DISEASE IN USHER SYNDROME TYPE IIA, MODIFIER OF; USHER SYNDROME, TYPE IIA. Identifiers: Orphanet 231178, Orphanet 886, MedGen C1848634, MONDO:0010169, OMIM 276901.

Allele frequency attached by ClinVar (database versions not stated): TOPMed 0.00001.
gnomAD v4.1: 5 of 1,613,536 alleles (0.00031%); highest among the groups gnomAD compares: African/African-American, 0.0013%; no homozygotes.

Submissions (5):

Genome-Nilou Lab
Classification: Uncertain significance for Retinitis pigmentosa 39. Last evaluated: 2023-11-04. Review status: criteria provided, single submitter. Criteria: ACMG Guidelines, 2015. Collection method: clinical testing. Allele origin: germline. Affected: no.

Genome-Nilou Lab
Classification: Uncertain significance for Usher syndrome type 2A. Last evaluated: 2023-11-04. Review status: criteria provided, single submitter. Criteria: ACMG Guidelines, 2015. Collection method: clinical testing. Allele origin: germline. Affected: no.

Blueprint Genetics
Classification: Pathogenic for USH2A-related disorders. Last evaluated: 2022-12-12. Review status: criteria provided, single submitter. Criteria: ACMG Guidelines, 2015. Collection method: clinical testing. Allele origin: germline. Affected: yes. Observed: 5 variant alleles.

Women's Health and Genetics/Laboratory Corporation of America, LabCorp
Classification: Uncertain significance. Last evaluated: 2022-11-04. Review status: criteria provided, single submitter. Criteria: LabCorp Variant Classification Summary - May 2015. Collection method: clinical testing. Allele origin: germline.
Comment: Variant summary: USH2A c.907C>T (p.Arg303Cys) results in a non-conservative amino acid change located in the laminin-type EGF domain (IPR002049) of the encoded protein sequence. Four of five in-silico tools predict a damaging effect of the variant on protein function. The variant was absent in 250362 control chromosomes (gnomAD). The available data on variant occurrences in the general population are insufficient to allow any conclusion about variant significance. c.907C>T has been reported in the literature in the heterozygous state, and in trans with a pathogenic variant in the compound heterozygous state, in individuals affected with Usher Syndrome (e.g. Dreyer_2008, Baux_2014). To our knowledge, no experimental evidence demonstrating an impact on protein function has been reported. However, c.907C>T results in a novel missense change at an amino acid residue where a different missense change (p.Arg303His) has been determined to be pathogenic. No clinical diagnostic laboratories have submitted clinical-significance assessments for this variant to ClinVar after 2014. Based on the evidence outlined above, the variant was classified as VUS-possibly pathogenic.

Labcorp Genetics (formerly Invitae), Labcorp
Classification: Uncertain significance. Last evaluated: 2022-08-09. Review status: criteria provided, single submitter. Criteria: Invitae Variant Classification Sherloc (09022015). Collection method: clinical testing. Allele origin: germline.
Comment: This sequence change replaces arginine, which is basic and polar, with cysteine, which is neutral and slightly polar, at codon 303 of the USH2A protein (p.Arg303Cys). This variant is not present in population databases (gnomAD no frequency). This missense change has been observed in individual(s) with Usher syndrome (PMID: 18273898). Algorithms developed to predict the effect of missense changes on protein structure and function are either unavailable or do not agree on the potential impact of this missense change (SIFT: "Deleterious"; PolyPhen-2: "Probably Damaging"; Align-GVGD: "Class C0"). This variant disrupts the p.Arg303 amino acid residue in USH2A. Other variant(s) that disrupt this residue have been determined to be pathogenic (PMID: 19881469, 25342620, 28157192). This suggests that this residue is clinically significant, and that variants that disrupt this residue are likely to be disease-causing. In summary, the available evidence is currently insufficient to determine the role of this variant in disease. Therefore, it has been classified as a Variant of Uncertain Significance.

Literature cited by the submitters: PubMed 18273898 (cited by Women's Health and Genetics/Laboratory Corporation of America, LabCorp and Labcorp Genetics (formerly Invitae), Labcorp); PubMed 24944099 (cited by Women's Health and Genetics/Laboratory Corporation of America, LabCorp); PubMed 19881469 (cited by Labcorp Genetics (formerly Invitae), Labcorp); PubMed 25342620 (cited by Labcorp Genetics (formerly Invitae), Labcorp); PubMed 28157192 (cited by Labcorp Genetics (formerly Invitae), Labcorp).

NM_206933.4(USH2A):c.907C>T (p.Arg303Cys)

Gene: USH2A (usherin; minus strand). Cytogenetic location: 1q41.
Variant type: single nucleotide variant.
Coding change: c.907C>T on transcript NM_206933.4 (MANE Select); coding-DNA position 907, C replaced by T.
Protein change: p.Arg303Cys; replaces arginine 303 with cysteine.
Molecular consequence: missense variant.
Genome position (GRCh38, 1-based): chr1:216,325,541, G>A on the plus strand (C>T on the coding strand, the complement: USH2A is on the minus strand). VCF-style: chr1-216325541-G-A. GRCh37 (hg19) VCF-style: chr1-216498883-G-A.
Other names: c.907C>T, p.Arg303Cys (NM_007123.6); short protein forms R303C.
Identifiers: ClinVar variation 1804866 (VCV001804866.5), dbSNP rs748465849, ClinGen allele CA344912657.